The following is an entry in ClinVar:

ClinVar aggregate classification (germline): Likely benign. Review status: criteria provided, multiple submitters, no conflicts (2 of 4 stars). 2 submissions from 2 submitters: Likely benign (2). Last evaluated 2026-06-01.

Conditions:
Glycogen storage disease type X (GSD10). Also called: GSD X; MYOPATHY DUE TO PHOSPHOGLYCERATE MUTASE DEFICIENCY; Glycogen storage disease due to phosphoglycerate mutase deficiency; PGAMM DEFICIENCY; PHOSPHOGLYCERATE MUTASE, MUSCLE, DEFICIENCY OF; Dimauro disease. Identifiers: Orphanet 97234, MedGen C0268149, MONDO:0009865, OMIM 261670.

Allele frequency attached by ClinVar (database versions not stated): gnomAD 0.00003.
gnomAD v4.1: 24 of 1,613,914 alleles (0.0015%); highest among the groups gnomAD compares: Non-Finnish European, 0.0019%; no homozygotes.

Submissions (2):

CeGaT Center for Human Genetics Tuebingen
Classification: Likely benign. Last evaluated: 2026-06-01. Review status: criteria provided, single submitter. Criteria: CeGaT Center For Human Genetics Tuebingen Variant Classification Criteria Version 2. Collection method: clinical testing. Allele origin: germline. Affected: yes. Observed: 1 variant allele.
Comment: PGAM2: BP4, BP7

Labcorp Genetics (formerly Invitae), Labcorp
Classification: Likely benign for Glycogen storage disease type X. Last evaluated: 2022-11-06. Review status: criteria provided, single submitter. Criteria: Invitae Variant Classification Sherloc (09022015). Collection method: clinical testing. Allele origin: germline.

NM_000290.4(PGAM2):c.321C>T (p.His107=)

Genes: DBNL (drebrin like; plus strand), PGAM2 (phosphoglycerate mutase 2; minus strand). Cytogenetic location: 7p13.
Variant type: single nucleotide variant.
Coding change: c.321C>T on transcript NM_000290.4 (MANE Select); coding-DNA position 321, C replaced by T.
Protein change: p.His107=; no amino-acid change (histidine 107 retained).
Molecular consequence: synonymous variant. On other transcripts: 3 prime UTR variant (6).
Genome position (GRCh38, 1-based): chr7:44,065,209, G>A on the plus strand (C>T on the coding strand, the complement: PGAM2 is on the minus strand). VCF-style: chr7-44065209-G-A. GRCh37 (hg19) VCF-style: chr7-44104808-G-A.
Other names: c.*4293G>A (NM_001014436.3, NM_001122956.2, NM_001284313.2 and 3 more transcripts).
Identifiers: ClinVar variation 2959446 (VCV002959446.5), dbSNP rs1425067807, ClinGen allele CA454860783.